The following is an entry in ClinVar:

NM_001165963.4(SCN1A):c.603-242T>C

Gene: SCN1A (sodium voltage-gated channel alpha subunit 1; minus strand). Cytogenetic location: 2q24.3.
Variant type: single nucleotide variant.
Coding change: c.603-242T>C on transcript NM_001165963.4 (MANE Select); 242 bases into the intron before coding-DNA position 603, T replaced by C.
Molecular consequence: intron variant.
Genome position (GRCh38, 1-based): chr2:166,053,185, A>G on the plus strand (T>C on the coding strand, the complement: SCN1A is on the minus strand). VCF-style: chr2-166053185-A-G. GRCh37 (hg19) VCF-style: chr2-166909695-A-G.
Other names: c.603-242T>C (NM_001353949.2, NM_001353958.2, NM_001353950.2 and 10 more transcripts); c.-1823-242T>C (NM_001353961.2).
Identifiers: ClinVar variation 669297 (VCV000669297.3), dbSNP rs2217199, ClinGen allele CA16118014.

ClinVar aggregate classification (germline): Benign. Review status: criteria provided, multiple submitters, no conflicts (2 of 4 stars). 2 submissions from 2 submitters: Benign (2). Last evaluated 2024-07-31.

Allele frequency attached by ClinVar (database versions not stated): TOPMed 0.46935; gnomAD 0.47972 and 0.48376; 1000 Genomes Project 30x 0.48563; 1000 Genomes Project 0.49321.
gnomAD v4.1: 399,990 of 760,782 alleles (53%); highest among the groups gnomAD compares: South Asian, 55%; 106,998 homozygotes.

Submissions (2):

Unidad de Genómica Garrahan, Hospital de Pediatría Garrahan
Classification: Benign. Last evaluated: 2024-07-31. Review status: criteria provided, single submitter. Criteria: ACMG Guidelines, 2015. Collection method: clinical testing. Allele origin: germline. Affected: no. Observed: 39 variant alleles.
Comment: This variant is classified as Benign based on local population frequency. This variant was detected in 42% of patients studied in a panel designed for Epileptic and Developmental Encephalopathy, Progressive Myoclonus Epilepsy and Abnormal Movements and Neurodegeneration with brain iron accumulation. Number of patients: 39. Only high quality variants are reported.

GeneDx
Classification: Benign. Last evaluated: 2018-06-14. Review status: criteria provided, single submitter. Criteria: GeneDx Variant Classification (06012015). Collection method: clinical testing. Allele origin: germline. Affected: yes.
Comment: This variant is considered likely benign or benign based on one or more of the following criteria: it is a conservative change, it occurs at a poorly conserved position in the protein, it is predicted to be benign by multiple in silico algorithms, and/or has population frequency not consistent with disease.